The following is an entry in ClinVar:

NM_000051.4(ATM):c.8409G>T (p.Lys2803Asn)

Genes: ATM (ATM serine/threonine kinase; plus strand), C11orf65 (chromosome 11 open reading frame 65; minus strand). Cytogenetic location: 11q22.3.
Variant type: single nucleotide variant.
Coding change: c.8409G>T on transcript NM_000051.4 (MANE Select); coding-DNA position 8409, G replaced by T.
Protein change: p.Lys2803Asn; replaces lysine 2803 with asparagine.
Molecular consequence: missense variant. On other transcripts: intron variant (2).
Genome position (GRCh38, 1-based): chr11:108,343,362, G>T. VCF-style: chr11-108343362-G-T. GRCh37 (hg19) VCF-style: chr11-108214089-G-T.
Other names: c.8409G>T, p.Lys2803Asn (NM_001351834.2); c.641-34291C>A (NM_001330368.2); c.695-8070C>A (NM_001351110.2); short protein forms K2803N.
Identifiers: ClinVar variation 3693713 (VCV003693713.2).
Genomic context (GRCh38, chr11:108,343,362, plus strand): 5'-TGAAGATGGTGCTCATAAAAGATACAGGCCAAATGATTTCAGTGCCTTTCAGTGCCAAAA[G>T]AAAATGATGGTGAGTGACACCCAAAATTAAAGGTTATTGTAAGATTATTTAATGGCTTAT-3'
Protein context (NP_000042.3, residues 2793-2813): PNDFSAFQCQ[Lys2803Asn]KMMEVQKKSF

ClinVar aggregate classification (germline): Uncertain significance (1 of 4 stars; one submission).

Conditions:
Ataxia-telangiectasia syndrome (AT). Also called: Ataxia-telangiectasia, complementation group D; AT, COMPLEMENTATION GROUP C; ATAXIA-TELANGIECTASIA, COMPLEMENTATION GROUP A; ATAXIA-TELANGIECTASIA, FRESNO VARIANT; Ataxia-telangiectasia; Ataxia-telangiectasia, complementation group E. Identifiers: Orphanet 100, MedGen C0004135, MONDO:0008840, OMIM 208900.

Submission:

Labcorp Genetics (formerly Invitae), Labcorp
Classification: Uncertain significance for Ataxia-telangiectasia syndrome. Last evaluated: 2025-01-14. Review status: criteria provided, single submitter. Criteria: Invitae Variant Classification Sherloc (09022015). Collection method: clinical testing. Allele origin: germline.
Comment: This sequence change replaces lysine, which is basic and polar, with asparagine, which is neutral and polar, at codon 2803 of the ATM protein (p.Lys2803Asn). This variant is not present in population databases (gnomAD no frequency). This variant has not been reported in the literature in individuals affected with ATM-related conditions. Invitae Evidence Modeling of protein sequence and biophysical properties (such as structural, functional, and spatial information, amino acid conservation, physicochemical variation, residue mobility, and thermodynamic stability) indicates that this missense variant is not expected to disrupt ATM protein function with a negative predictive value of 95%. In summary, the available evidence is currently insufficient to determine the role of this variant in disease. Therefore, it has been classified as a Variant of Uncertain Significance.